The following is an entry in ClinVar:

NM_198291.3(SRC):c.636C>T (p.Ser212=)

Gene: SRC (SRC proto-oncogene, non-receptor tyrosine kinase; plus strand). Cytogenetic location: 20q11.23.
Variant type: single nucleotide variant.
Coding change: c.636C>T on transcript NM_198291.3 (MANE Select); coding-DNA position 636, C replaced by T.
Protein change: p.Ser212=; no amino-acid change (serine 212 retained).
Molecular consequence: synonymous variant.
Genome position (GRCh38, 1-based): chr20:37,396,244, C>T. VCF-style: chr20-37396244-C-T. GRCh37 (hg19) VCF-style: chr20-36024647-C-T.
Other names: c.636C>T, p.Ser212= (NM_005417.5).
Identifiers: ClinVar variation 3043475 (VCV003043475.2), dbSNP rs150488614, ClinGen allele CA9847840.
Genomic context (GRCh38, chr20:37,396,244, plus strand): 5'-TGACTTCGACAACGCCAAGGGCCTCAACGTGAAGCACTACAAGATCCGCAAGCTGGACAG[C>T]GGCGGCTTCTACATCACCTCCCGCACCCAGTTCAACAGCCTGCAGCAGCTGGTGGCCTAC-3'
Protein context (NP_938033.1, residues 202-222): VKHYKIRKLD[Ser212=]GGFYITSRTQ

ClinVar aggregate classification (germline): Likely benign (0 of 4 stars; one submission).

Conditions:
SRC-related disorder. Also called: SRC-related condition.

Allele frequency attached by ClinVar (database versions not stated): ESP Exome Variant Server 0.00008; gnomAD exomes 0.00011; gnomAD 0.00014; ExAC 0.00018; TOPMed 0.00019; 1000 Genomes Project 30x 0.00031; 1000 Genomes Project 0.00040.
gnomAD v4.1: 184 of 1,614,016 alleles (0.011%); highest among the groups gnomAD compares: South Asian, 0.089%; 1 homozygote.

Submission:

PreventionGenetics, part of Exact Sciences
Classification: Likely benign for SRC-related condition. Last evaluated: 2019-03-04. Review status: no assertion criteria provided. Collection method: clinical testing. Allele origin: germline.
Comment: This variant is classified as likely benign based on ACMG/AMP sequence variant interpretation guidelines (Richards et al. 2015 PMID: 25741868, with internal and published modifications).